The following is an entry in ClinVar:

ClinVar aggregate classification (germline): Conflicting classifications of pathogenicity. Review status: criteria provided, conflicting classifications (1 of 4 stars). 8 submissions from 8 submitters: Uncertain significance (1); Benign (1); Likely benign (5). 1 of the submissions does not count toward it. Last evaluated 2026-05-18.

Conditions:
NF1-related disorder. Also called: NF1-related condition. Identifiers: MedGen CN379171.
Hereditary cancer-predisposing syndrome. Also called: Tumor predisposition; Hereditary neoplastic syndrome; Neoplastic Syndromes, Hereditary; Hereditary Cancer Syndrome. Identifiers: Orphanet 140162, MedGen C0027672, MeSH D009386, MONDO:0015356.
Neurofibromatosis, type 1 (NF1). Also called: Neurofibromatosis, type I; NEUROFIBROMATOSIS, TYPE I, SOMATIC; VON RECKLINGHAUSEN DISEASE; Peripheral type neurofibromatosis. Identifiers: Orphanet 636, MedGen C0027831, MONDO:0018975, OMIM 162200. Disease mechanism: loss of function.

Allele frequency attached by ClinVar (database versions not stated): TOPMed below 0.00001.

Submissions (8):

Myriad Genetics, Inc.
Classification: Benign for Neurofibromatosis, type 1. Last evaluated: 2026-05-18. Review status: criteria provided, single submitter. Criteria: Myriad Autosomal Dominant, Autosomal Recessive and X-Linked Classification Criteria (2023). Collection method: clinical testing. Allele origin: unknown.
Comment: This variant is considered benign. This variant is a silent/synonymous amino acid change and it is not expected to impact splicing.

Labcorp Genetics (formerly Invitae), Labcorp
Classification: Likely benign for Neurofibromatosis, type 1. Last evaluated: 2026-01-26. Review status: criteria provided, single submitter. Criteria: Invitae Variant Classification Sherloc (09022015). Collection method: clinical testing. Allele origin: germline.

Quest Diagnostics Nichols Institute San Juan Capistrano
Classification: Uncertain significance. Last evaluated: 2024-03-15. Review status: criteria provided, single submitter. Criteria: Quest Diagnostics criteria. Collection method: clinical testing. Allele origin: unknown.

Genome-Nilou Lab
Classification: Likely benign for Neurofibromatosis, type 1. Last evaluated: 2022-03-15. Review status: criteria provided, single submitter. Criteria: ACMG Guidelines, 2015. Collection method: clinical testing. Allele origin: germline. Affected: no.

GeneDx
Classification: Likely benign. Last evaluated: 2021-03-01. Review status: criteria provided, single submitter. Criteria: GeneDx Variant Classification Process June 2021. Collection method: clinical testing. Allele origin: germline. Affected: yes.

ARUP Laboratories, Molecular Genetics and Genomics, ARUP Laboratories
Classification: Likely benign. Last evaluated: 2017-09-08. Review status: criteria provided, single submitter. Criteria: ARUP Molecular Germline Variant Investigation Process. Collection method: clinical testing. Allele origin: germline.

Ambry Genetics
Classification: Likely benign for Hereditary cancer-predisposing syndrome. Last evaluated: 2015-04-06. Review status: criteria provided, single submitter. Criteria: Ambry Autosomal Dominant and X-Linked criteria (10/2015). Collection method: clinical testing. Allele origin: germline. Observed: 1 variant allele.

PreventionGenetics, part of Exact Sciences
Classification: Likely benign for NF1-related condition. Last evaluated: 2019-04-15. Review status: no assertion criteria provided. Collection method: clinical testing. Allele origin: germline. Not counted in ClinVar's aggregate classification.
Comment: This variant is classified as likely benign based on ACMG/AMP sequence variant interpretation guidelines (Richards et al. 2015 PMID: 25741868, with internal and published modifications).

NM_001042492.3(NF1):c.2514C>T (p.Ile838=)

Gene: NF1 (neurofibromin 1; plus strand). Cytogenetic location: 17q11.2.
Variant type: single nucleotide variant.
Coding change: c.2514C>T on transcript NM_001042492.3 (MANE Select); coding-DNA position 2514, C replaced by T.
Protein change: p.Ile838=; no amino-acid change (isoleucine 838 retained).
Molecular consequence: synonymous variant.
Genome position (GRCh38, 1-based): chr17:31,229,129, C>T. VCF-style: chr17-31229129-C-T. GRCh37 (hg19) VCF-style: chr17-29556147-C-T.
Other names: c.2514C>T, p.Ile838= (NM_000267.4).
Identifiers: ClinVar variation 215712 (VCV000215712.25), dbSNP rs863224352, ClinGen allele CA336694.